The following is an entry in ClinVar:

NM_182914.3(SYNE2):c.8691G>C (p.Glu2897Asp)

Gene: SYNE2 (spectrin repeat containing nuclear envelope protein 2; plus strand). Cytogenetic location: 14q23.2.
Variant type: single nucleotide variant.
Coding change: c.8691G>C on transcript NM_182914.3 (MANE Select); coding-DNA position 8691, G replaced by C.
Protein change: p.Glu2897Asp; replaces glutamic acid 2897 with aspartic acid.
Molecular consequence: missense variant.
Genome position (GRCh38, 1-based): chr14:64,052,604, G>C. VCF-style: chr14-64052604-G-C. GRCh37 (hg19) VCF-style: chr14-64519322-G-C.
Other names: c.8691G>C, p.Glu2897Asp (NM_015180.6); short protein forms E2897D.
Identifiers: ClinVar variation 313537 (VCV000313537.14), dbSNP rs758754933, ClinGen allele CA7221146.

ClinVar aggregate classification (germline): Conflicting classifications of pathogenicity. Review status: criteria provided, conflicting classifications (1 of 4 stars). 3 submissions from 3 submitters: Uncertain significance (2); Likely benign (1). Last evaluated 2024-12-11.

Conditions:
Emery-Dreifuss muscular dystrophy 5, autosomal dominant (EDMD5). Also called: EMERY-DREIFUSS MUSCULAR DYSTROPHY 5. Identifiers: Orphanet 261, MedGen C2751805, MONDO:0013072, OMIM 612999.

Allele frequency attached by ClinVar (database versions not stated): ExAC 0.00005; gnomAD 0.00006; gnomAD exomes 0.00008 and 0.00015; TOPMed 0.00008.
gnomAD v4.1: 217 of 1,613,984 alleles (0.013%); highest among the groups gnomAD compares: Non-Finnish European, 0.018%; no homozygotes.

Submissions (3):

Ambry Genetics
Classification: Uncertain significance. Last evaluated: 2024-12-11. Review status: criteria provided, single submitter. Criteria: Ambry Variant Classification Scheme 2023. Collection method: clinical testing. Allele origin: germline.

Labcorp Genetics (formerly Invitae), Labcorp
Classification: Uncertain significance for Emery-Dreifuss muscular dystrophy 5, autosomal dominant. Last evaluated: 2023-01-31. Review status: criteria provided, single submitter. Criteria: Invitae Variant Classification Sherloc (09022015). Collection method: clinical testing. Allele origin: germline.
Comment: In summary, the available evidence is currently insufficient to determine the role of this variant in disease. Therefore, it has been classified as a Variant of Uncertain Significance. Algorithms developed to predict the effect of missense changes on protein structure and function are either unavailable or do not agree on the potential impact of this missense change (SIFT: "Tolerated"; PolyPhen-2: "Possibly Damaging"; Align-GVGD: "Class C0"). ClinVar contains an entry for this variant (Variation ID: 313537). This variant has not been reported in the literature in individuals affected with SYNE2-related conditions. This variant is present in population databases (rs758754933, gnomAD 0.02%). This sequence change replaces glutamic acid, which is acidic and polar, with aspartic acid, which is acidic and polar, at codon 2897 of the SYNE2 protein (p.Glu2897Asp).

Illumina Laboratory Services, Illumina
Classification: Likely benign for Emery-Dreifuss muscular dystrophy 5, autosomal dominant. Last evaluated: 2018-01-12. Review status: criteria provided, single submitter. Criteria: ICSL Variant Classification Criteria 13 December 2019. Collection method: clinical testing. Allele origin: germline.
Comment: This variant was observed in the ICSL laboratory as part of a predisposition screen in an ostensibly healthy population. It had not been previously curated by ICSL or reported in the Human Gene Mutation Database (HGMD: prior to June 1st, 2018), and was therefore a candidate for classification through an automated scoring system. Utilizing variant allele frequency, disease prevalence and penetrance estimates, and inheritance mode, an automated score was calculated to assess if this variant is too frequent to cause the disease. Based on the score and internal cut-off values, a variant classified as likely benign is not then subjected to further curation. The score for this variant resulted in a classification of likely benign for this disease.